The following is an entry in ClinVar:

ClinVar aggregate classification (germline): Uncertain significance. Review status: criteria provided, multiple submitters, no conflicts (2 of 4 stars). 2 submissions from 2 submitters: Uncertain significance (2). Last evaluated 2025-11-13.

Conditions:
Inborn genetic diseases. Identifiers: MedGen C0950123, MeSH D030342.

gnomAD v4.1: 26 of 1,613,822 alleles (0.0016%); highest among the groups gnomAD compares: East Asian, 0.011%; no homozygotes.

Submissions (2):

Ambry Genetics
Classification: Uncertain significance for Inborn genetic diseases. Last evaluated: 2025-11-13. Review status: criteria provided, single submitter. Criteria: Ambry Variant Classification Scheme 2023. Collection method: clinical testing. Allele origin: germline.

Mayo Clinic Laboratories, Mayo Clinic
Classification: Uncertain significance. Last evaluated: 2025-01-14. Review status: criteria provided, single submitter. Criteria: ACMG Guidelines, 2015. Collection method: clinical testing. Allele origin: germline. Observed: 1 variant allele.
Comment: PM2_supporting

NM_000037.4(ANK1):c.1967C>T (p.Ser656Leu)

Gene: ANK1 (ankyrin 1; minus strand). Cytogenetic location: 8p11.21.
Variant type: single nucleotide variant.
Coding change: c.1967C>T on transcript NM_000037.4 (MANE Select); coding-DNA position 1967, C replaced by T.
Protein change: p.Ser656Leu; replaces serine 656 with leucine.
Molecular consequence: missense variant.
Genome position (GRCh38, 1-based): chr8:41,708,809, G>A on the plus strand (C>T on the coding strand, the complement: ANK1 is on the minus strand). VCF-style: chr8-41708809-G-A. GRCh37 (hg19) VCF-style: chr8-41566327-G-A.
Other names: p.Ser656Leu; c.1967C>T (NM_000037.3); c.2066C>T, p.Ser689Leu (NM_001142446.2); c.1967C>T, p.Ser656Leu (NM_020475.3, NM_020476.3, NM_020477.3); short protein forms S689L, S656L.
Identifiers: ClinVar variation 4541367 (VCV004541367.1).